The following is an entry in ClinVar:

ClinVar aggregate classification (germline): Uncertain significance (1 of 4 stars; one submission).

Conditions:
Hereditary cancer-predisposing syndrome. Also called: Neoplastic Syndromes, Hereditary; Hereditary neoplastic syndrome; Tumor predisposition; Hereditary Cancer Syndrome. Identifiers: Orphanet 140162, MedGen C0027672, MeSH D009386, MONDO:0015356.

Submission:

Ambry Genetics
Classification: Uncertain significance for Hereditary cancer-predisposing syndrome. Last evaluated: 2026-02-13. Review status: criteria provided, single submitter. Criteria: Ambry Variant Classification Scheme 2023. Collection method: clinical testing. Allele origin: germline.
Comment: The c.1324_1328delTGCTGinsCGCTA variant (also known as p.C442_C443delinsRY), located in coding exon 8 of the BRIP1 gene, results from an in-frame deletion of TGCTG and insertion of CGCTA at nucleotide positions 1324 to 1328. This results in the substitution of cysteine residues for arginine and tyrosine residues at codons 442 and 443. This amino acid region is poorly conserved in available vertebrate species. In addition, the in silico prediction for this variant is inconclusive (Choi Y et al. PLoS ONE. 2012; 7(10):e46688). Based on the available evidence, the clinical significance of this variant remains unclear.

NM_032043.3(BRIP1):c.1324_1328delinsCGCTA (p.Cys442_Cys443delinsArgTyr)

Gene: BRIP1 (BRCA1 interacting DNA helicase 1; minus strand). Cytogenetic location: 17q23.2.
Variant type: Indel.
Coding change: c.1324_1328delinsCGCTA on transcript NM_032043.3 (MANE Select); coding-DNA positions 1324 to 1328, TGCTG replaced by CGCTA.
Protein change: p.Cys442_Cys443delinsArgTyr.
Molecular consequence: missense variant.
Genome position (GRCh38, 1-based): chr17:61,799,112-61,799,116, CAGCA replaced by TAGCG on the plus strand (TGCTG replaced by CGCTA on the coding strand, the reverse complement: BRIP1 is on the minus strand). VCF-style: chr17-61799112-CAGCA-TAGCG. GRCh37 (hg19) VCF-style: chr17-59876473-CAGCA-TAGCG.
Identifiers: ClinVar variation 4823948 (VCV004823948.1).